The following is an entry in ClinVar:

NM_020163.3(SEMA3G):c.685_709dup (p.Asp237delinsGlyArgProAspProTer)

Gene: SEMA3G (semaphorin 3G; minus strand). Cytogenetic location: 3p21.1.
Variant type: Duplication.
Coding change: c.685_709dup on transcript NM_020163.3 (MANE Select); coding-DNA positions 685 to 709, 25 bases duplicated (GCCGCCCGGATCCCTGAGAACTCTG).
Protein change: p.Asp237delinsGlyArgProAspProTer.
Molecular consequence: nonsense.
Genome position (GRCh38, 1-based): chr3:52,441,368-52,441,392, CAGAGTTCTCAGGGATCCGGGCGGC duplicated on the plus strand (GCCGCCCGGATCCCTGAGAACTCTG on the coding strand, the reverse complement: SEMA3G is on the minus strand); duplicating any 25 consecutive bases within chr3:52,441,368-52,441,394 gives the same sequence; the c. name uses the placement nearest the transcript's 3' end. VCF-style (leftmost placement, unchanged base first): chr3-52441367-T-TCAGAGTTCTCAGGGATCCGGGCGGC. GRCh37 (hg19) VCF-style: chr3-52475383-T-TCAGAGTTCTCAGGGATCCGGGCGGC.
Identifiers: ClinVar variation 3346339 (VCV003346339.1).

ClinVar aggregate classification (germline): Uncertain significance (0 of 4 stars; one submission).

Conditions:
SEMA3G-related disorder. Also called: SEMA3G-related condition.

Submission:

PreventionGenetics, part of Exact Sciences
Classification: Uncertain significance for SEMA3G-related condition. Last evaluated: 2024-07-05. Review status: no assertion criteria provided. Collection method: clinical testing. Allele origin: germline.
Comment: The SEMA3G c.685_709dup25 variant is predicted to result in a frameshift and premature protein termination (p.Asp237Glyfs*6). To our knowledge, this variant has not been reported in the literature or in a large population database, indicating this variant is rare. At this time, the clinical significance of this variant is uncertain due to the absence of conclusive functional and genetic evidence.